The following is an entry in ClinVar:

ClinVar aggregate classification (germline): Conflicting classifications of pathogenicity. Review status: criteria provided, conflicting classifications (1 of 4 stars). 3 submissions from 3 submitters: Uncertain significance (1); Likely benign (1). 1 of the submissions does not count toward it. Last evaluated 2026-08-01.

Conditions:
PLXNA1-related disorder. Also called: PLXNA1-related condition.

Allele frequency attached by ClinVar (database versions not stated): gnomAD 0.00098; ExAC 0.00099; TOPMed 0.00107; ESP Exome Variant Server 0.00115; 1000 Genomes Project 0.00200; 1000 Genomes Project 30x 0.00250.

Submissions (3):

CeGaT Center for Human Genetics Tuebingen
Classification: Likely benign. Last evaluated: 2026-08-01. Review status: criteria provided, single submitter. Criteria: CeGaT Center For Human Genetics Tuebingen Variant Classification Criteria Version 2. Collection method: clinical testing. Allele origin: germline. Affected: yes. Observed: 5 variant alleles.
Comment: PLXNA1: BS2

Labcorp Genetics (formerly Invitae), Labcorp
Classification: Uncertain significance. Last evaluated: 2022-05-27. Review status: criteria provided, single submitter. Criteria: Invitae Variant Classification Sherloc (09022015). Collection method: clinical testing. Allele origin: germline.
Comment: This sequence change replaces arginine, which is basic and polar, with histidine, which is basic and polar, at codon 897 of the PLXNA1 protein (p.Arg897His). This variant is present in population databases (rs138276286, gnomAD 0.2%), and has an allele count higher than expected for a pathogenic variant. This variant has not been reported in the literature in individuals affected with PLXNA1-related conditions. Algorithms developed to predict the effect of missense changes on protein structure and function (SIFT, PolyPhen-2, Align-GVGD) all suggest that this variant is likely to be tolerated. In summary, the available evidence is currently insufficient to determine the role of this variant in disease. Therefore, it has been classified as a Variant of Uncertain Significance.

PreventionGenetics, part of Exact Sciences
Classification: Likely benign for PLXNA1-related condition. Last evaluated: 2022-01-27. Review status: no assertion criteria provided. Collection method: clinical testing. Allele origin: germline. Not counted in ClinVar's aggregate classification.
Comment: This variant is classified as likely benign based on ACMG/AMP sequence variant interpretation guidelines (Richards et al. 2015 PMID: 25741868, with internal and published modifications).

NM_032242.4(PLXNA1):c.2690G>A (p.Arg897His)

Gene: PLXNA1 (plexin A1; plus strand). Cytogenetic location: 3q21.3.
Variant type: single nucleotide variant.
Coding change: c.2690G>A on transcript NM_032242.4 (MANE Select); coding-DNA position 2690, G replaced by A.
Protein change: p.Arg897His; replaces arginine 897 with histidine.
Molecular consequence: missense variant.
Genome position (GRCh38, 1-based): chr3:127,014,563, G>A. VCF-style: chr3-127014563-G-A. GRCh37 (hg19) VCF-style: chr3-126733406-G-A.
Other names: c.2690G>A (NM_032242.3); short protein forms R897H.
Identifiers: ClinVar variation 2056774 (VCV002056774.16), dbSNP rs138276286, ClinGen allele CA2593730.